The following is an entry in ClinVar:

ClinVar aggregate classification (germline): Uncertain significance (1 of 4 stars; one submission).

Conditions:
Dyskeratosis congenita, autosomal dominant 2. Identifiers: MedGen C3151443, MONDO:0013521, OMIM 613989.
Idiopathic Pulmonary Fibrosis. Also called: Idiopathic fibrosing alveolitis, chronic form; idiopathic fibrosing alveolitis. Identifiers: Orphanet 2032, MedGen C1800706, MeSH D054990, MONDO:0800504.

gnomAD v4.1: 2 of 1,413,532 alleles (0.00014%); highest among the groups gnomAD compares: Non-Finnish European, 0.000092%; no homozygotes.

Submission:

Labcorp Genetics (formerly Invitae), Labcorp
Classification: Uncertain significance for Dyskeratosis congenita, autosomal dominant 2; Idiopathic Pulmonary Fibrosis. Last evaluated: 2025-01-20. Review status: criteria provided, single submitter. Criteria: Invitae Variant Classification Sherloc (09022015). Collection method: clinical testing. Allele origin: germline.
Comment: This sequence change replaces histidine, which is basic and polar, with glutamine, which is neutral and polar, at codon 17 of the TERT protein (p.His17Gln). This variant is not present in population databases (gnomAD no frequency). This variant has not been reported in the literature in individuals affected with TERT-related conditions. Invitae Evidence Modeling of protein sequence and biophysical properties (such as structural, functional, and spatial information, amino acid conservation, physicochemical variation, residue mobility, and thermodynamic stability) indicates that this missense variant is not expected to disrupt TERT protein function with a negative predictive value of 95%. In summary, the available evidence is currently insufficient to determine the role of this variant in disease. Therefore, it has been classified as a Variant of Uncertain Significance.

NM_198253.3(TERT):c.51C>G (p.His17Gln)

Genes: TERT (telomerase reverse transcriptase; minus strand), LOC110806263 (TERT 5' regulatory region; plus strand). Cytogenetic location: 5p15.33.
Variant type: single nucleotide variant.
Coding change: c.51C>G on transcript NM_198253.3 (MANE Select); coding-DNA position 51, C replaced by G.
Protein change: p.His17Gln; replaces histidine 17 with glutamine.
Molecular consequence: missense variant. On other transcripts: non-coding transcript variant (2).
Genome position (GRCh38, 1-based): chr5:1,294,939, G>C on the plus strand (C>G on the coding strand, the complement: TERT is on the minus strand). VCF-style: chr5-1294939-G-C. GRCh37 (hg19) VCF-style: chr5-1295054-G-C.
Other names: c.51C>G, p.His17Gln (NM_001193376.3); short protein forms H17Q.
Identifiers: ClinVar variation 3752465 (VCV003752465.2).